The following is an entry in ClinVar:

NM_001605.3(AARS1):c.2069A>C (p.Tyr690Ser)

Gene: AARS1 (alanyl-tRNA synthetase 1; minus strand). Cytogenetic location: 16q22.1.
Variant type: single nucleotide variant.
Coding change: c.2069A>C on transcript NM_001605.3 (MANE Select); coding-DNA position 2069, A replaced by C.
Protein change: p.Tyr690Ser; replaces tyrosine 690 with serine.
Molecular consequence: missense variant.
Genome position (GRCh38, 1-based): chr16:70,258,141, T>G on the plus strand (A>C on the coding strand, the complement: AARS1 is on the minus strand). VCF-style: chr16-70258141-T-G. GRCh37 (hg19) VCF-style: chr16-70292044-T-G.
Other names: short protein forms Y690S.
Identifiers: ClinVar variation 846141 (VCV000846141.9), dbSNP rs563959372, ClinGen allele CA396557715.

ClinVar aggregate classification (germline): Uncertain significance (1 of 4 stars; one submission).

Conditions:
Charcot-Marie-Tooth disease type 2. Also called: Charcot-Marie-Tooth type 2. Identifiers: Orphanet 64746, MedGen C0270914, MONDO:0018993.

Submission:

Labcorp Genetics (formerly Invitae), Labcorp
Classification: Uncertain significance for Charcot-Marie-Tooth disease type 2. Last evaluated: 2021-12-31. Review status: criteria provided, single submitter. Criteria: Invitae Variant Classification Sherloc (09022015). Collection method: clinical testing. Allele origin: germline.
Comment: In summary, the available evidence is currently insufficient to determine the role of this variant in disease. Therefore, it has been classified as a Variant of Uncertain Significance. Algorithms developed to predict the effect of missense changes on protein structure and function are either unavailable or do not agree on the potential impact of this missense change (SIFT: "Deleterious"; PolyPhen-2: "Probably Damaging"; Align-GVGD: "Class C0"). ClinVar contains an entry for this variant (Variation ID: 846141). This variant has not been reported in the literature in individuals affected with AARS-related conditions. This variant is not present in population databases (gnomAD no frequency). This sequence change replaces tyrosine, which is neutral and polar, with serine, which is neutral and polar, at codon 690 of the AARS protein (p.Tyr690Ser).